The following is an entry in ClinVar:

ClinVar aggregate classification (germline): Conflicting classifications of pathogenicity. Review status: criteria provided, conflicting classifications (1 of 4 stars). 5 submissions from 5 submitters: Uncertain significance (3); Likely benign (2). Last evaluated 2026-01-11.

Conditions:
Cardiovascular phenotype. Identifiers: MedGen CN230736.
Dilated cardiomyopathy 1JJ (CMD1JJ). Identifiers: Orphanet 154, MedGen C3808935, MONDO:0014095, OMIM 615235.

Allele frequency attached by ClinVar (database versions not stated): gnomAD 0.00007; ExAC 0.00002; gnomAD exomes 0.00004 and 0.00005; TOPMed 0.00006.
gnomAD v4.1: 76 of 1,613,922 alleles (0.0047%); highest among the groups gnomAD compares: Admixed American, 0.012%; no homozygotes.

Submissions (5):

Labcorp Genetics (formerly Invitae), Labcorp
Classification: Uncertain significance for Dilated cardiomyopathy 1JJ. Last evaluated: 2026-01-11. Review status: criteria provided, single submitter. Criteria: Invitae Variant Classification Sherloc (09022015). Collection method: clinical testing. Allele origin: germline.
Comment: This sequence change replaces arginine, which is basic and polar, with histidine, which is basic and polar, at codon 690 of the LAMA4 protein (p.Arg690His). This variant is present in population databases (rs397516723, gnomAD 0.02%). This missense change has been observed in individual(s) with dilated cardiomyopathy (PMID: 27532257). ClinVar contains an entry for this variant (Variation ID: 44360). Invitae Evidence Modeling of protein sequence and biophysical properties (such as structural, functional, and spatial information, amino acid conservation, physicochemical variation, residue mobility, and thermodynamic stability) indicates that this missense variant is not expected to disrupt LAMA4 protein function with a negative predictive value of 80%. In summary, the available evidence is currently insufficient to determine the role of this variant in disease. Therefore, it has been classified as a Variant of Uncertain Significance.

Ambry Genetics
Classification: Likely benign for Cardiovascular phenotype. Last evaluated: 2025-01-14. Review status: criteria provided, single submitter. Criteria: Ambry Variant Classification Scheme 2023. Collection method: clinical testing. Allele origin: germline.

Fulgent Genetics
Classification: Uncertain significance for Dilated cardiomyopathy 1JJ. Last evaluated: 2024-06-10. Review status: criteria provided, single submitter. Criteria: ACMG Guidelines, 2015. Collection method: clinical testing. Allele origin: germline.

GeneDx
Classification: Uncertain significance. Last evaluated: 2024-05-16. Review status: criteria provided, single submitter. Criteria: GeneDx Variant Classification Process June 2021. Collection method: clinical testing. Allele origin: germline.
Comment: In silico analysis supports that this missense variant does not alter protein structure/function; Identified in patients with DCM in published literature (PMID: 24503780, 27532257); This variant is associated with the following publications: (PMID: 27532257, 24503780)

Laboratory for Molecular Medicine, Mass General Brigham Personalized Medicine
Classification: Likely benign. Last evaluated: 2018-03-14. Review status: criteria provided, single submitter. Criteria: LMM Criteria. Collection method: clinical testing. Allele origin: germline. Observed: 3 variant alleles.
Comment: proposed classification - variant undergoing re-assessment, contact laboratory

Literature cited by the submitters: PubMed 27532257 (cited by Labcorp Genetics (formerly Invitae), Labcorp and Ambry Genetics).

NM_001105206.3(LAMA4):c.2090G>A (p.Arg697His)

Gene: LAMA4 (laminin subunit alpha 4; minus strand). Cytogenetic location: 6q21.
Variant type: single nucleotide variant.
Coding change: c.2090G>A on transcript NM_001105206.3 (MANE Select); coding-DNA position 2090, G replaced by A.
Protein change: p.Arg697His; replaces arginine 697 with histidine.
Molecular consequence: missense variant.
Genome position (GRCh38, 1-based): chr6:112,150,594, C>T on the plus strand (G>A on the coding strand, the complement: LAMA4 is on the minus strand). VCF-style: chr6-112150594-C-T. GRCh37 (hg19) VCF-style: chr6-112471796-C-T.
Other names: c.2069G>A, p.Arg690His (NM_001105207.3, NM_002290.5); short protein forms R690H, R697H.
Identifiers: ClinVar variation 44360 (VCV000044360.19), dbSNP rs397516723, ClinGen allele CA134019.